The following is an entry in ClinVar:

NM_001258392.3(CLPB):c.1981A>G (p.Arg661Gly)

Gene: CLPB (ClpB family mitochondrial disaggregase; minus strand). Cytogenetic location: 11q13.4.
Variant type: single nucleotide variant.
Coding change: c.1981A>G on transcript NM_001258392.3 (MANE Select); coding-DNA position 1981, A replaced by G.
Protein change: p.Arg661Gly; replaces arginine 661 with glycine.
Molecular consequence: missense variant.
Genome position (GRCh38, 1-based): chr11:72,293,420, T>C on the plus strand (A>G on the coding strand, the complement: CLPB is on the minus strand). VCF-style: chr11-72293420-T-C. GRCh37 (hg19) VCF-style: chr11-72004464-T-C.
Other names: c.1894A>G, p.Arg632Gly (NM_001258393.3); c.1936A>G, p.Arg646Gly (NM_001258394.3); c.2071A>G, p.Arg691Gly (NM_030813.6); short protein forms R632G, R661G, R691G, R646G.
Identifiers: ClinVar variation 1508402 (VCV001508402.6), dbSNP rs2135483452, ClinGen allele CA381723018.

ClinVar aggregate classification (germline): Uncertain significance (1 of 4 stars; one submission).

Conditions:
3-methylglutaconic aciduria, type VIIB (MGCA7B). Also called: 3-methylglutaconic aciduria with cataracts, neurologic involvement and neutropenia; 3-methylglutaconic aciduria, type VII, with cataracts, neurologic involvement and neutropenia; CLPB Deficiency. Identifiers: Orphanet 445038, MedGen C5676893, MONDO:0014561, OMIM 616271.

gnomAD v4.1: 1 of 1,614,178 alleles (0.000062%); highest among the groups gnomAD compares: Middle Eastern, 0.016%; no homozygotes.

Submission:

Labcorp Genetics (formerly Invitae), Labcorp
Classification: Uncertain significance for 3-methylglutaconic aciduria, type VIIB. Last evaluated: 2023-11-19. Review status: criteria provided, single submitter. Criteria: Invitae Variant Classification Sherloc (09022015). Collection method: clinical testing. Allele origin: germline.
Comment: This sequence change replaces arginine, which is basic and polar, with glycine, which is neutral and non-polar, at codon 691 of the CLPB protein (p.Arg691Gly). This variant is not present in population databases (gnomAD no frequency). This variant has not been reported in the literature in individuals affected with CLPB-related conditions. ClinVar contains an entry for this variant (Variation ID: 1508402). An algorithm developed to predict the effect of missense changes on protein structure and function (PolyPhen-2) suggests that this variant is likely to be tolerated. In summary, the available evidence is currently insufficient to determine the role of this variant in disease. Therefore, it has been classified as a Variant of Uncertain Significance.